The following is an entry in ClinVar:

NM_000213.5(ITGB4):c.2461T>A (p.Ser821Thr)

Gene: ITGB4 (integrin subunit beta 4; plus strand). Cytogenetic location: 17q25.1.
Variant type: single nucleotide variant.
Coding change: c.2461T>A on transcript NM_000213.5 (MANE Select); coding-DNA position 2461, T replaced by A.
Protein change: p.Ser821Thr; replaces serine 821 with threonine.
Molecular consequence: missense variant.
Genome position (GRCh38, 1-based): chr17:75,740,372, T>A. VCF-style: chr17-75740372-T-A. GRCh37 (hg19) VCF-style: chr17-73736453-T-A.
Other names: c.2461T>A, p.Ser821Thr (NM_001005619.2, NM_001005731.3, NM_001321123.2); short protein forms S821T.
Identifiers: ClinVar variation 2826116 (VCV002826116.3), dbSNP rs2545789665, ClinGen allele CA401064693.
Genomic context (GRCh38, chr17:75,740,372, plus strand): 5'-GGGGCTGACCACCTCCATCTCACCCCCTCCCACCGCCTTTCCTTAGTGCCCTACGGGCTG[T>A]CCTTGCGCCTGGCCCGCCTTTGCACCGAGAACCTGCTGAAGCCTGACACTCGGGAGTGCG-3'
Protein context (NP_000204.3, residues 811-831): NPTELVPYGL[Ser821Thr]LRLARLCTEN

ClinVar aggregate classification (germline): Uncertain significance (1 of 4 stars; one submission).

Submission:

Labcorp Genetics (formerly Invitae), Labcorp
Classification: Uncertain significance. Last evaluated: 2023-01-03. Review status: criteria provided, single submitter. Criteria: Invitae Variant Classification Sherloc (09022015). Collection method: clinical testing. Allele origin: germline.
Comment: In summary, the available evidence is currently insufficient to determine the role of this variant in disease. Therefore, it has been classified as a Variant of Uncertain Significance. Advanced modeling of protein sequence and biophysical properties (such as structural, functional, and spatial information, amino acid conservation, physicochemical variation, residue mobility, and thermodynamic stability) performed at Invitae indicates that this missense variant is not expected to disrupt ITGB4 protein function. This variant has not been reported in the literature in individuals affected with ITGB4-related conditions. This variant is not present in population databases (gnomAD no frequency). This sequence change replaces serine, which is neutral and polar, with threonine, which is neutral and polar, at codon 821 of the ITGB4 protein (p.Ser821Thr).